The following is an entry in ClinVar:

NM_005529.7(HSPG2):c.12738G>A (p.Gln4246=)

Genes: HSPG2 (heparan sulfate proteoglycan 2; minus strand), LDLRAD2 (low density lipoprotein receptor class A domain containing 2; plus strand). Cytogenetic location: 1p36.12.
Variant type: single nucleotide variant.
Coding change: c.12738G>A on transcript NM_005529.7 (MANE Select); coding-DNA position 12738, G replaced by A.
Protein change: p.Gln4246=; no amino-acid change (glutamine 4246 retained).
Molecular consequence: synonymous variant. On other transcripts: 3 prime UTR variant (1).
Genome position (GRCh38, 1-based): chr1:21,824,543, C>T on the plus strand (G>A on the coding strand, the complement: HSPG2 is on the minus strand). VCF-style: chr1-21824543-C-T. GRCh37 (hg19) VCF-style: chr1-22151036-C-T.
Other names: c.12741G>A, p.Gln4247= (NM_001291860.2); c.*2328C>T (NM_001013693.3).
Identifiers: ClinVar variation 1968183 (VCV001968183.3), dbSNP rs1451909286, ClinGen allele CA416543440.
Genomic context (GRCh38, chr1:21,824,543, plus strand): 5'-AGCCAGCTTCCTGCCCCAGGAGCCCCAAGAGCCCAGCCGGATACCCACACTCACCACACC[C>T]TGCCAGAGCAGGAGGCCACTGGCTGTGCTGGTCCGAACCTCCAGCTCGATGGTCTCGGGC-3'
Protein context (NP_005520.4, residues 4236-4256): TSTASGLLLW[Gln4246=]GVEVGEAGQG

ClinVar aggregate classification (germline): Uncertain significance (1 of 4 stars; one submission).

Allele frequency attached by ClinVar (database versions not stated): TOPMed below 0.00001; gnomAD exomes 0.00001.
gnomAD v4.1: 3 of 1,613,620 alleles (0.00019%); highest among the groups gnomAD compares: Admixed American, 0.0033%; no homozygotes.

Submission:

Labcorp Genetics (formerly Invitae), Labcorp
Classification: Uncertain significance. Last evaluated: 2022-03-20. Review status: criteria provided, single submitter. Criteria: Invitae Variant Classification Sherloc (09022015). Collection method: clinical testing. Allele origin: germline.
Comment: In summary, the available evidence is currently insufficient to determine the role of this variant in disease. Therefore, it has been classified as a Variant of Uncertain Significance. Algorithms developed to predict the effect of sequence changes on RNA splicing suggest that this variant may create or strengthen a splice site. This variant has not been reported in the literature in individuals affected with HSPG2-related conditions. This variant is present in population databases (no rsID available, gnomAD 0.006%). This sequence change affects codon 4246 of the HSPG2 mRNA. It is a 'silent' change, meaning that it does not change the encoded amino acid sequence of the HSPG2 protein.